The following is an entry in ClinVar:

NM_000283.4(PDE6B):c.2096T>G (p.Leu699Arg)

Gene: PDE6B (phosphodiesterase 6B; plus strand). Cytogenetic location: 4p16.3.
Variant type: single nucleotide variant.
Coding change: c.2096T>G on transcript NM_000283.4 (MANE Select); coding-DNA position 2096, T replaced by G.
Protein change: p.Leu699Arg; replaces leucine 699 with arginine.
Molecular consequence: missense variant.
Genome position (GRCh38, 1-based): chr4:664,188, T>G. VCF-style: chr4-664188-T-G. GRCh37 (hg19) VCF-style: chr4-657977-T-G.
Other names: c.2096T>G, p.Leu699Arg (NM_001145291.2); c.1259T>G, p.Leu420Arg (NM_001145292.2, NM_001350154.3, NM_001379246.1 and 1 more transcripts); c.941T>G, p.Leu314Arg (NM_001350155.3); short protein forms L314R, L420R, L699R.
Identifiers: ClinVar variation 1478750 (VCV001478750.6), dbSNP rs1737497878, ClinGen allele CA355919511.

ClinVar aggregate classification (germline): Uncertain significance (1 of 4 stars; one submission).

Allele frequency attached by ClinVar (database versions not stated): TOPMed below 0.00001.
gnomAD v4.1: 1 of 1,609,542 alleles (0.000062%); no homozygotes.

Submission:

Labcorp Genetics (formerly Invitae), Labcorp
Classification: Uncertain significance. Last evaluated: 2022-07-05. Review status: criteria provided, single submitter. Criteria: Invitae Variant Classification Sherloc (09022015). Collection method: clinical testing. Allele origin: germline.
Comment: In summary, the available evidence is currently insufficient to determine the role of this variant in disease. Therefore, it has been classified as a Variant of Uncertain Significance. Algorithms developed to predict the effect of missense changes on protein structure and function (SIFT, PolyPhen-2, Align-GVGD) all suggest that this variant is likely to be disruptive. ClinVar contains an entry for this variant (Variation ID: 1478750). This missense change has been observed in individuals with retinitis pigmentosa (PMID: 8557257; Invitae). It has also been observed to segregate with disease in related individuals. This variant is not present in population databases (gnomAD no frequency). This sequence change replaces leucine, which is neutral and non-polar, with arginine, which is basic and polar, at codon 699 of the PDE6B protein (p.Leu699Arg).

Literature cited by the submitters: PubMed 8557257.